The following is an entry in ClinVar:

NM_001042492.3(NF1):c.6819+1G>T

Gene: NF1 (neurofibromin 1; plus strand). Cytogenetic location: 17q11.2.
Variant type: single nucleotide variant.
Coding change: c.6819+1G>T on transcript NM_001042492.3 (MANE Select); the canonical splice donor site of the intron after coding-DNA position 6819, G replaced by T.
Molecular consequence: splice donor variant.
Genome position (GRCh38, 1-based): chr17:31,338,140, G>T. VCF-style: chr17-31338140-G-T. GRCh37 (hg19) VCF-style: chr17-29665158-G-T.
Other names: c.6756+1G>T (NM_000267.4).
Identifiers: ClinVar variation 1329856 (VCV001329856.10), dbSNP rs1555534964, ClinGen allele CA399014228.
Genomic context (GRCh38, chr17:31,338,140, plus strand): 5'-TGTATTAGCAAACGAGTGTCTCATGGGCAGATAAAGCAGATAATCCGTATTCTTAGCAAG[G>T]TACCTGTTCCGCCCTCACTTCTCCCAAATATTTATGGTTCTCAAGTTGTAAAGCATATCT-3'

ClinVar aggregate classification (germline): Pathogenic. Review status: criteria provided, multiple submitters, no conflicts (2 of 4 stars). 6 submissions from 6 submitters: Pathogenic (6). Last evaluated 2026-09-23.

Conditions:
Neurofibromatosis-Noonan syndrome (NFNS). Also called: NEUROFIBROMATOSIS WITH NOONAN PHENOTYPE. Identifiers: Orphanet 638, MedGen C2931482, MONDO:0011035, OMIM 601321. Disease mechanism: loss of function.
NF1-related disorder. Also called: NF1-related condition. Identifiers: MedGen CN379171.
Hereditary cancer-predisposing syndrome. Also called: Neoplastic Syndromes, Hereditary; Hereditary Cancer Syndrome; Tumor predisposition; Hereditary neoplastic syndrome. Identifiers: Orphanet 140162, MedGen C0027672, MeSH D009386, MONDO:0015356.
Cardiovascular phenotype. Identifiers: MedGen CN230736.
Neurofibromatosis, type 1 (NF1). Also called: VON RECKLINGHAUSEN DISEASE; NEUROFIBROMATOSIS, TYPE I, SOMATIC; Peripheral type neurofibromatosis; Neurofibromatosis, type I. Identifiers: Orphanet 636, MedGen C0027831, MONDO:0018975, OMIM 162200. Disease mechanism: loss of function.

Allele frequency attached by ClinVar (database versions not stated): gnomAD exomes below 0.00001.
gnomAD v4.1: 1 of 1,598,240 alleles (0.000063%); highest among the groups gnomAD compares: African/African-American, 0.0013%; no homozygotes.

Submissions (6):

PreventionGenetics, part of Exact Sciences
Classification: Pathogenic for NF1-related condition. Last evaluated: 2026-09-23. Review status: criteria provided, single submitter. Criteria: ACMG Guidelines, 2015. Collection method: clinical testing. Allele origin: germline.
Comment: The NF1 c.6756+1G>T variant is predicted to disrupt the GT donor site and interfere with normal splicing. This variant has been reported in individuals with clinical features consistent with neurofibromatosis type 1 (Melloni et al. 2019. PubMed ID: 31766501; Fahsold et al. 2000. PubMed ID: 10712197; PreventionGenetics internal data). This variant has not been reported in a large population database (gnomAD), indicating it is rare, and has been classified as pathogenic in ClinVar (Variation ID: 1329856). Variants that disrupt the consensus splice donor site in NF1 are expected to be pathogenic. This variant is interpreted as pathogenic.

Ambry Genetics
Classification: Pathogenic for Cardiovascular phenotype; Hereditary cancer-predisposing syndrome. Last evaluated: 2025-09-25. Review status: criteria provided, single submitter. Criteria: Ambry Variant Classification Scheme 2023. Collection method: clinical testing. Allele origin: germline.
Comment: The c.6756+1G>T intronic pathogenic mutation results from a G to T substitution one nucleotide after coding exon 44 of the NF1 gene. This variant was reported in individual(s) with features consistent with neurofibromatosis type 1 (Melloni G et al. Cancers (Basel), 2019 Nov;11; Ambry internal data). Other variant(s) impacting the same donor site (c.6756+1G>A) have been identified in individual(s) with features consistent with neurofibromatosis type 1 (Ambry internal data). This variant is considered to be rare based on population cohorts in the Genome Aggregation Database (gnomAD). This nucleotide position is highly conserved in available vertebrate species. In silico splice site analysis predicts that this alteration will weaken the native splice donor site. Alterations that disrupt the canonical splice site are expected to cause aberrant splicing, resulting in an abnormal protein or a transcript that is subject to nonsense-mediated mRNA decay. As such, this alteration is classified as a disease-causing mutation.

Labcorp Genetics (formerly Invitae), Labcorp
Classification: Pathogenic for Neurofibromatosis, type 1. Last evaluated: 2023-11-08. Review status: criteria provided, single submitter. Criteria: Invitae Variant Classification Sherloc (09022015). Collection method: clinical testing. Allele origin: germline.
Comment: This sequence change affects a donor splice site in intron 44 of the NF1 gene. It is expected to disrupt RNA splicing. Variants that disrupt the donor or acceptor splice site typically lead to a loss of protein function (PMID: 16199547), and loss-of-function variants in NF1 are known to be pathogenic (PMID: 10712197, 23913538). This variant is not present in population databases (gnomAD no frequency). Disruption of this splice site has been observed in individual(s) with neurofibromatosis type 1 (PMID: 10712197, 31766501). ClinVar contains an entry for this variant (Variation ID: 1329856). Algorithms developed to predict the effect of sequence changes on RNA splicing suggest that this variant may disrupt the consensus splice site. For these reasons, this variant has been classified as Pathogenic.

GeneDx
Classification: Pathogenic. Last evaluated: 2023-05-24. Review status: criteria provided, single submitter. Criteria: GeneDx Variant Classification Process June 2021. Collection method: clinical testing. Allele origin: germline. Affected: yes.
Comment: Canonical splice site variant predicted to result in a null allele in a gene for which loss of function is a known mechanism of disease; Not observed at significant frequency in large population cohorts (gnomAD); This variant is associated with the following publications: (PMID: 31766501)

3billion
Classification: Pathogenic for Neurofibromatosis-Noonan syndrome. Last evaluated: 2022-09-01. Review status: criteria provided, single submitter. Criteria: ACMG Guidelines, 2015. Collection method: clinical testing. Allele origin: germline. Affected: yes. Observed: 1 heterozygote.
Comment: The variant is not observed in the gnomAD v2.1.1 dataset. Canonical splice site is predicted to alter splicing and result in a loss or disruption of normal protein function. Multiple pathogenic loss-of-function variants are reported downstream of the variant. The variant has been reported to be associated with NF1--related disorder (ClinVar ID: VCV001329856). Therefore, this variant is classified as Pathogenic according to the recommendation of ACMG/AMP guideline.

Institute of Human Genetics, University of Goettingen
Classification: Pathogenic for Neurofibromatosis, type 1. Last evaluated: 2021-12-27. Review status: criteria provided, single submitter. Criteria: ACMG Guidelines, 2015. Collection method: clinical testing. Allele origin: unknown. Inheritance: Autosomal dominant inheritance. Affected: yes. Observed: 1 heterozygote.
Comment: The variant c.6756+1G>T (p.?) is located in the donor splice site of intron 44 of the NF1-gene, it affects a canonical splice site and it is not found in the gnomAD database. In silico programs predict a significant impact on NF1-RNA splicing (varSEAK SSP, SpliceSiteFinder-like, MaxEntScan, NNSPLICE and GeneSplicer), which has not been validated by functional studies yet. This variant has already been identified in an individual with Neurofibromatosis, type 1 (PMID: 31766501). ACMG criteria used for classification: PVS1, PM2, PP5.

Literature cited by the submitters: PubMed 31766501 (cited by 3 submitters); PubMed 16199547 (cited by Labcorp Genetics (formerly Invitae), Labcorp); PubMed 10712197 (cited by Labcorp Genetics (formerly Invitae), Labcorp); PubMed 23913538 (cited by Labcorp Genetics (formerly Invitae), Labcorp).